The following is an entry in ClinVar:

ClinVar aggregate classification (germline): Uncertain significance (1 of 4 stars; one submission).

Conditions:
Joubert syndrome 18 (JBTS18). Identifiers: Orphanet 2754, MedGen C3553758, MONDO:0013896, OMIM 614815.
Orofacial-digital syndrome IV (OFD4). Also called: Orofaciodigital syndrome IV; BARAITSER-BURN SYNDROME; MOHR-MAJEWSKI SYNDROME; OFD SYNDROME WITH TIBIAL DEFECTS; OFD SYNDROME, BARAITSER-BURN TYPE; OFDS IV. Identifiers: Orphanet 2753, MedGen C0406727, MONDO:0009794, OMIM 258860.

Allele frequency attached by ClinVar (database versions not stated): gnomAD 0.00001; gnomAD exomes 0.00001 and 0.00004; TOPMed 0.00001.
gnomAD v4.1: 9 of 1,551,026 alleles (0.00058%); highest among the groups gnomAD compares: East Asian, 0.02%; no homozygotes.

Submission:

Labcorp Genetics (formerly Invitae), Labcorp
Classification: Uncertain significance for Joubert syndrome 18; Orofacial-digital syndrome IV. Last evaluated: 2024-10-15. Review status: criteria provided, single submitter. Criteria: Invitae Variant Classification Sherloc (09022015). Collection method: clinical testing. Allele origin: germline.
Comment: This sequence change replaces glutamine, which is neutral and polar, with histidine, which is basic and polar, at codon 298 of the TCTN3 protein (p.Gln298His). This variant is present in population databases (no rsID available, gnomAD 0.06%). This variant has not been reported in the literature in individuals affected with TCTN3-related conditions. ClinVar contains an entry for this variant (Variation ID: 1447553). Invitae Evidence Modeling of protein sequence and biophysical properties (such as structural, functional, and spatial information, amino acid conservation, physicochemical variation, residue mobility, and thermodynamic stability) indicates that this missense variant is expected to disrupt TCTN3 protein function with a positive predictive value of 80%. Algorithms developed to predict the effect of sequence changes on RNA splicing suggest that this variant may disrupt the consensus splice site. In summary, the available evidence is currently insufficient to determine the role of this variant in disease. Therefore, it has been classified as a Variant of Uncertain Significance.

NM_015631.6(TCTN3):c.894G>C (p.Gln298His)

Gene: TCTN3 (tectonic family member 3; minus strand). Cytogenetic location: 10q24.1.
Variant type: single nucleotide variant.
Coding change: c.894G>C on transcript NM_015631.6 (MANE Select); coding-DNA position 894, G replaced by C.
Protein change: p.Gln298His; replaces glutamine 298 with histidine.
Molecular consequence: missense variant. On other transcripts: intron variant (1).
Genome position (GRCh38, 1-based): chr10:95,685,631, C>G on the plus strand (G>C on the coding strand, the complement: TCTN3 is on the minus strand). VCF-style: chr10-95685631-C-G. GRCh37 (hg19) VCF-style: chr10-97445388-C-G.
Other names: c.651+864G>C (NM_001143973.2); short protein forms Q298H.
Identifiers: ClinVar variation 1447553 (VCV001447553.6), dbSNP rs1464905299, ClinGen allele CA377706221.